The following is an entry in ClinVar:

ClinVar aggregate classification (germline): Conflicting classifications of pathogenicity. Review status: criteria provided, conflicting classifications (1 of 4 stars). 3 submissions from 3 submitters: Uncertain significance (1); Likely benign (1). 1 of the submissions does not count toward it. Last evaluated 2022-11-07.

Conditions:
MHC class II deficiency. Also called: BLS, TYPE II; Bare lymphocyte syndrome 2. Identifiers: Orphanet 572, MedGen C5447452, MONDO:0008855.

Submissions (3):

Blueprint Genetics
Classification: Likely benign. Last evaluated: 2022-11-07. Review status: criteria provided, single submitter. Criteria: ACMG Guidelines, 2015. Collection method: clinical testing. Allele origin: germline.

Labcorp Genetics (formerly Invitae), Labcorp
Classification: Uncertain significance for SCID due to absent class II HLA antigens. Last evaluated: 2019-09-18. Review status: criteria provided, single submitter. Criteria: Invitae Variant Classification Sherloc (09022015). Collection method: clinical testing. Allele origin: germline.
Comment: This sequence change replaces aspartic acid with tyrosine at codon 206 of the CIITA protein (p.Asp206Tyr). The aspartic acid residue is weakly conserved and there is a large physicochemical difference between aspartic acid and tyrosine. This variant is not present in population databases (ExAC no frequency). This variant has not been reported in the literature in individuals with CIITA-related conditions. Algorithms developed to predict the effect of missense changes on protein structure and function (SIFT, PolyPhen-2, Align-GVGD) all suggest that this variant is likely to be tolerated, but these predictions have not been confirmed by published functional studies and their clinical significance is uncertain. In summary, the available evidence is currently insufficient to determine the role of this variant in disease. Therefore, it has been classified as a Variant of Uncertain Significance.

Natera, Inc.
Classification: Uncertain significance for Bare lymphocyte syndrome type II. Last evaluated: 2020-10-29. Review status: no assertion criteria provided. Collection method: clinical testing. Allele origin: germline. Not counted in ClinVar's aggregate classification.

NM_000246.4(CIITA):c.616G>T (p.Asp206Tyr)

Gene: CIITA (class II major histocompatibility complex transactivator; plus strand). Cytogenetic location: 16p13.13.
Variant type: single nucleotide variant.
Coding change: c.616G>T on transcript NM_000246.4 (MANE Select); coding-DNA position 616, G replaced by T.
Protein change: p.Asp206Tyr; replaces aspartic acid 206 with tyrosine.
Molecular consequence: missense variant. On other transcripts: non-coding transcript variant (1), intron variant (3).
Genome position (GRCh38, 1-based): chr16:10,902,172, G>T. VCF-style: chr16-10902172-G-T. GRCh37 (hg19) VCF-style: chr16-10996029-G-T.
Other names: c.619G>T, p.Asp207Tyr (NM_001286402.1, NM_001379332.1); c.616G>T, p.Asp206Tyr (NM_001379333.1); c.547G>T, p.Asp183Tyr (NM_001379334.1); c.485-486G>T (NM_001379330.1); c.482-486G>T (NM_001379331.1, NM_001286403.2); short protein forms D206Y, D183Y, D207Y.
Identifiers: ClinVar variation 940172 (VCV000940172.6), dbSNP rs771338224, ClinGen allele CA394728470.